The following is an entry in ClinVar:

NM_001029883.3(PCARE):c.3049A>T (p.Arg1017Ter)

Gene: PCARE (photoreceptor cilium actin regulator; minus strand). Cytogenetic location: 2p23.2.
Variant type: single nucleotide variant.
Coding change: c.3049A>T on transcript NM_001029883.3 (MANE Select); coding-DNA position 3049, A replaced by T.
Protein change: p.Arg1017Ter; replaces arginine 1017 with a stop codon.
Molecular consequence: nonsense.
Genome position (GRCh38, 1-based): chr2:29,071,213, T>A on the plus strand (A>T on the coding strand, the complement: PCARE is on the minus strand). VCF-style: chr2-29071213-T-A. GRCh37 (hg19) VCF-style: chr2-29294079-T-A.
Other names: short protein forms R1017*.
Identifiers: ClinVar variation 836420 (VCV000836420.7), dbSNP rs1667472659, ClinGen allele CA346475902.

ClinVar aggregate classification (germline): Pathogenic (1 of 4 stars; one submission).

Allele frequency attached by ClinVar (database versions not stated): TOPMed below 0.00001.

Submission:

Labcorp Genetics (formerly Invitae), Labcorp
Classification: Pathogenic. Last evaluated: 2019-12-17. Review status: criteria provided, single submitter. Criteria: Invitae Variant Classification Sherloc (09022015). Collection method: clinical testing. Allele origin: germline.
Comment: For these reasons, this variant has been classified as Pathogenic. Loss-of-function variants in PCARE are known to be pathogenic (PMID: 20398886, 24339724, 26496393). This variant has not been reported in the literature in individuals with PCARE-related conditions. This variant is not present in population databases (ExAC no frequency). This sequence change creates a premature translational stop signal (p.Arg1017*) in the PCARE gene. It is expected to result in an absent or disrupted protein product.

Literature cited by the submitters: PubMed 20398886; PubMed 24339724; PubMed 26496393.